The following is an entry in ClinVar:

ClinVar aggregate classification (germline): Uncertain significance. Review status: criteria provided, multiple submitters, no conflicts (2 of 4 stars). 2 submissions from 2 submitters: Uncertain significance (2). Last evaluated 2025-03-18.

Conditions:
Hypertrophic cardiomyopathy. Also called: HYPERTROPHIC MYOCARDIOPATHY. Identifiers: Orphanet 217569, MedGen C0007194, MeSH D002312, MONDO:0005045, HP:0001639.
Cardiovascular phenotype. Identifiers: MedGen CN230736.

gnomAD v4.1: 9 of 1,613,044 alleles (0.00056%); highest among the groups gnomAD compares: Non-Finnish European, 0.00076%; no homozygotes.

Submissions (2):

Ambry Genetics
Classification: Uncertain significance for Cardiovascular phenotype. Last evaluated: 2025-03-18. Review status: criteria provided, single submitter. Criteria: Ambry Variant Classification Scheme 2023. Collection method: clinical testing. Allele origin: germline.

Labcorp Genetics (formerly Invitae), Labcorp
Classification: Uncertain significance for Hypertrophic cardiomyopathy. Last evaluated: 2025-03-14. Review status: criteria provided, single submitter. Criteria: Invitae Variant Classification Sherloc (09022015). Collection method: clinical testing. Allele origin: germline.
Comment: This sequence change replaces alanine, which is neutral and non-polar, with valine, which is neutral and non-polar, at codon 661 of the JPH2 protein (p.Ala661Val). This variant is not present in population databases (gnomAD no frequency). This variant has not been reported in the literature in individuals affected with JPH2-related conditions. ClinVar contains an entry for this variant (Variation ID: 1783833). An algorithm developed to predict the effect of missense changes on protein structure and function outputs the following: PolyPhen-2: "Benign". The valine amino acid residue is found in multiple mammalian species, which suggests that this missense change does not adversely affect protein function. In summary, the available evidence is currently insufficient to determine the role of this variant in disease. Therefore, it has been classified as a Variant of Uncertain Significance.

NM_020433.5(JPH2):c.1982C>T (p.Ala661Val)

Gene: JPH2 (junctophilin 2; minus strand). Cytogenetic location: 20q13.12.
Variant type: single nucleotide variant.
Coding change: c.1982C>T on transcript NM_020433.5 (MANE Select); coding-DNA position 1982, C replaced by T.
Protein change: p.Ala661Val; replaces alanine 661 with valine.
Molecular consequence: missense variant.
Genome position (GRCh38, 1-based): chr20:44,115,693, G>A on the plus strand (C>T on the coding strand, the complement: JPH2 is on the minus strand). VCF-style: chr20-44115693-G-A. GRCh37 (hg19) VCF-style: chr20-42744333-G-A.
Other names: short protein forms A661V.
Identifiers: ClinVar variation 1783833 (VCV001783833.4), dbSNP rs1026714361, ClinGen allele CA314642344.